The following is an entry in ClinVar:

NM_032043.3(BRIP1):c.3163T>A (p.Ser1055Thr)

Gene: BRIP1 (BRCA1 interacting DNA helicase 1; minus strand). Cytogenetic location: 17q23.2.
Variant type: single nucleotide variant.
Coding change: c.3163T>A on transcript NM_032043.3 (MANE Select); coding-DNA position 3163, T replaced by A.
Protein change: p.Ser1055Thr; replaces serine 1055 with threonine.
Molecular consequence: missense variant.
Genome position (GRCh38, 1-based): chr17:61,683,883, A>T on the plus strand (T>A on the coding strand, the complement: BRIP1 is on the minus strand). VCF-style: chr17-61683883-A-T. GRCh37 (hg19) VCF-style: chr17-59761244-A-T.
Other names: short protein forms S1055T.
Identifiers: ClinVar variation 1052931 (VCV001052931.10), dbSNP rs2144086036, ClinGen allele CA400479482.

ClinVar aggregate classification (germline): Uncertain significance (1 of 4 stars; one submission).

Conditions:
Fanconi anemia complementation group J. Also called: BRIP1-Related Fanconi Anemia. Identifiers: Orphanet 84, MedGen C1836860, MONDO:0012187, OMIM 609054.
Familial cancer of breast. Also called: hereditary breast carcinoma; Hereditary breast cancer; BREAST CANCER, FAMILIAL. Identifiers: Orphanet 227535, MedGen C0346153, MONDO:0016419, OMIM 114480. Disease mechanism: loss of function.

Submission:

Labcorp Genetics (formerly Invitae), Labcorp
Classification: Uncertain significance for Familial cancer of breast; Fanconi anemia complementation group J. Last evaluated: 2020-01-09. Review status: criteria provided, single submitter. Criteria: Invitae Variant Classification Sherloc (09022015). Collection method: clinical testing. Allele origin: germline.
Comment: In summary, the available evidence is currently insufficient to determine the role of this variant in disease. Therefore, it has been classified as a Variant of Uncertain Significance. Algorithms developed to predict the effect of missense changes on protein structure and function are either unavailable or do not agree on the potential impact of this missense change (SIFT: "Tolerated"; PolyPhen-2: "Possibly Damaging"; Align-GVGD: "Class C0"). This variant has not been reported in the literature in individuals with BRIP1-related conditions. This variant is not present in population databases (ExAC no frequency). This sequence change replaces serine with threonine at codon 1055 of the BRIP1 protein (p.Ser1055Thr). The serine residue is weakly conserved and there is a small physicochemical difference between serine and threonine.